The following is an entry in ClinVar:

ClinVar aggregate classification (germline): Uncertain significance (1 of 4 stars; one submission).

Conditions:
Hereditary cancer-predisposing syndrome. Also called: Neoplastic Syndromes, Hereditary; Tumor predisposition; Hereditary neoplastic syndrome; Hereditary Cancer Syndrome. Identifiers: Orphanet 140162, MedGen C0027672, MeSH D009386, MONDO:0015356.

Submission:

Ambry Genetics
Classification: Uncertain significance for Hereditary cancer-predisposing syndrome. Last evaluated: 2023-11-16. Review status: criteria provided, single submitter. Criteria: Ambry Variant Classification Scheme 2023. Collection method: clinical testing. Allele origin: germline.
Comment: The p.V254L variant (also known as c.760G>C), located in coding exon 6 of the DICER1 gene, results from a G to C substitution at nucleotide position 760. The valine at codon 254 is replaced by leucine, an amino acid with highly similar properties. This amino acid position is conserved. In addition, the in silico prediction for this alteration is inconclusive. Since supporting evidence is limited at this time, the clinical significance of this alteration remains unclear.

NM_177438.3(DICER1):c.760G>C (p.Val254Leu)

Gene: DICER1 (dicer 1, ribonuclease III; minus strand). Cytogenetic location: 14q32.13.
Variant type: single nucleotide variant.
Coding change: c.760G>C on transcript NM_177438.3 (MANE Select); coding-DNA position 760, G replaced by C.
Protein change: p.Val254Leu; replaces valine 254 with leucine.
Molecular consequence: missense variant. On other transcripts: 5 prime UTR variant (1), non-coding transcript variant (6).
Genome position (GRCh38, 1-based): chr14:95,126,723, C>G on the plus strand (G>C on the coding strand, the complement: DICER1 is on the minus strand). VCF-style: chr14-95126723-C-G. GRCh37 (hg19) VCF-style: chr14-95593060-C-G.
Other names: c.760G>C, p.Val254Leu (NM_001195573.1, NM_001271282.3, NM_001291628.2 and 15 more transcripts); c.478G>C, p.Val160Leu (NM_001395686.1); c.355G>C, p.Val119Leu (NM_001395687.1, NM_001395688.1, NM_001395689.1 and 3 more transcripts); c.193G>C, p.Val65Leu (NM_001395691.1); c.-809G>C (NM_001395697.1); short protein forms V119L, V160L, V254L, V65L.
Identifiers: ClinVar variation 3229450 (VCV003229450.1), dbSNP rs1595448254, ClinGen allele CA390887888.
Genomic context (GRCh38, chr14:95,126,723, plus strand): 5'-ATTCCATCAGCAGTCTTTCATAAAGCCCACTTCTGTCAGTAAATGGTCCACAATCCACCA[C>G]AATCTCACATGGCTGAGAAGTATACCTTTAACATAAGAAACAAAAGGTATCAATACTGCA-3'
Protein context (NP_803187.1, residues 244-264): DRYTSQPCEI[Val254Leu]VDCGPFTDRS